The following is an entry in ClinVar:

NM_005026.5(PIK3CD):c.1214G>A (p.Arg405His)

Genes: PIK3CD (phosphatidylinositol-4,5-bisphosphate 3-kinase catalytic subunit delta; plus strand), LOC126805612 (MED14-independent group 3 enhancer GRCh37_chr1:9778914-9780113; plus strand). Cytogenetic location: 1p36.22.
Variant type: single nucleotide variant.
Coding change: c.1214G>A on transcript NM_005026.5 (MANE Select); coding-DNA position 1214, G replaced by A.
Protein change: p.Arg405His; replaces arginine 405 with histidine.
Molecular consequence: missense variant.
Genome position (GRCh38, 1-based): chr1:9,718,887, G>A. VCF-style: chr1-9718887-G-A. GRCh37 (hg19) VCF-style: chr1-9778945-G-A.
Other names: NM_005026.5(PIK3CD):c.1214G>A; p.Arg405His; c.1214G>A, p.Arg405His (NM_001350234.2); c.1127G>A, p.Arg376His (NM_001350235.1); short protein forms R376H, R405H.
Identifiers: ClinVar variation 1409092 (VCV001409092.6), dbSNP rs1219279866, ClinGen allele CA338302353.

ClinVar aggregate classification (germline): Uncertain significance. Review status: reviewed by expert panel (3 of 4 stars). 2 submissions from 2 submitters: Uncertain significance (1). 1 of the submissions does not count toward it. Last evaluated 2025-12-19.

Conditions:
Immunodeficiency 14 (IMD14A). Also called: ACTIVATED PI3K-DELTA SYNDROME 1; Activated PI3K Delta Syndrome Type 1 (APDS1); p110-DELTA-ACTIVATING MUTATION CAUSING SENESCENT T CELLS, LYMPHADENOPATHY, AND IMMUNODEFICIENCY; IMMUNODEFICIENCY 14A WITH LYMPHOPROLIFERATION, AUTOSOMAL DOMINANT. Identifiers: Orphanet 397596, Orphanet 693661, MedGen C5907821, MONDO:0014222, OMIM 615513.

Allele frequency attached by ClinVar (database versions not stated): gnomAD exomes below 0.00001; TOPMed below 0.00001.

Submissions (2):

ClinGen Primary Immune Regulatory Disorders Variant Curation Expert Panel, ClinGen
Classification: Uncertain significance for Immunodeficiency 14. Last evaluated: 2025-12-19. Review status: reviewed by expert panel. Criteria: ClinGen AbDef ACMG Specifications PIK3CD V1.0.0. Collection method: curation. Allele origin: germline. Inheritance: Autosomal dominant inheritance.
Comment: NM_005026.5(PIK3CD):c.1214G>A (p.Arg405His) is a missense variant cause substitution of arginine by histidine at amino acid 405. This variant is absent from gnomAD v4.1.0 (PM2_Supporting). This variant has not been reported in the literature in individuals affected with PIK3CD-related conditions. The computational predictor REVEL gives a score of 0.302, which is below the ClinGen Antibody Deficiencies VCEP threshold of >0.644 and does not predict a damaging effect on PIK3CD function. The computational predictor CADD gives a PHRED score of 32.0, which is above the ClinGen Antibody Deficiencies VCEP threshold of >25.3 and predicts a deleterious effect on PIK3CD function. Because the two predictors do not agree on a damaging effect, the PP3 code is not met. In summary, this variant meets the criteria to be classified as a variant of uncertain significance for autosomal dominant immunodeficiency 14 based on the ACMG/AMP criteria applied, as specified by the ClinGen Antibody Deficiencies VCEP: PM2_Supporting. (VCEP specifications version 1.0.0).

Labcorp Genetics (formerly Invitae), Labcorp
Classification: Uncertain significance for Activated PI3K-delta syndrome. Last evaluated: 2021-09-19. Review status: criteria provided, single submitter. Criteria: Invitae Variant Classification Sherloc (09022015). Collection method: clinical testing. Allele origin: germline. Not counted in ClinVar's aggregate classification.
Comment: This sequence change replaces arginine with histidine at codon 405 of the PIK3CD protein (p.Arg405His). The arginine residue is highly conserved and there is a small physicochemical difference between arginine and histidine. This variant is not present in population databases (ExAC no frequency). This variant has not been reported in the literature in individuals affected with PIK3CD-related conditions. Algorithms developed to predict the effect of missense changes on protein structure and function are either unavailable or do not agree on the potential impact of this missense change (SIFT: "Deleterious"; PolyPhen-2: "Benign"; Align-GVGD: "Class C0"). In summary, the available evidence is currently insufficient to determine the role of this variant in disease. Therefore, it has been classified as a Variant of Uncertain Significance.